The following is an entry in ClinVar:

ClinVar aggregate classification (germline): Uncertain significance (1 of 4 stars; one submission).

Allele frequency attached by ClinVar (database versions not stated): gnomAD 0.00001; gnomAD exomes 0.00001; TOPMed 0.00001.
gnomAD v4.1: 11 of 1,613,986 alleles (0.00068%); highest among the groups gnomAD compares: Admixed American, 0.0033%; no homozygotes.

Submission:

Labcorp Genetics (formerly Invitae), Labcorp
Classification: Uncertain significance. Last evaluated: 2021-12-06. Review status: criteria provided, single submitter. Criteria: Invitae Variant Classification Sherloc (09022015). Collection method: clinical testing. Allele origin: germline.
Comment: This sequence change replaces arginine, which is basic and polar, with histidine, which is basic and polar, at codon 320 of the TIMM50 protein (p.Arg320His). This variant is present in population databases (no rsID available, gnomAD 0.004%). This variant has not been reported in the literature in individuals affected with TIMM50-related conditions. Algorithms developed to predict the effect of missense changes on protein structure and function are either unavailable or do not agree on the potential impact of this missense change (SIFT: "Not Available"; PolyPhen-2: "Possibly Damaging"; Align-GVGD: "Not Available"). In summary, the available evidence is currently insufficient to determine the role of this variant in disease. Therefore, it has been classified as a Variant of Uncertain Significance.

NM_001001563.5(TIMM50):c.650G>A (p.Arg217His)

Gene: TIMM50 (translocase of inner mitochondrial membrane 50; plus strand). Cytogenetic location: 19q13.2.
Variant type: single nucleotide variant.
Coding change: c.650G>A on transcript NM_001001563.5 (MANE Select); coding-DNA position 650, G replaced by A.
Protein change: p.Arg217His; replaces arginine 217 with histidine.
Molecular consequence: missense variant.
Genome position (GRCh38, 1-based): chr19:39,486,449, G>A. VCF-style: chr19-39486449-G-A. GRCh37 (hg19) VCF-style: chr19-39977089-G-A.
Other names: c.311G>A, p.Arg104His (NM_001329559.2); short protein forms R104H, R217H.
Identifiers: ClinVar variation 1422239 (VCV001422239.5), dbSNP rs1298831357, ClinGen allele CA405787993.